The following is an entry in ClinVar:

NM_000346.4(SOX9):c.605C>G (p.Ala202Gly)

Gene: SOX9 (SRY-box transcription factor 9; plus strand). Cytogenetic location: 17q24.3.
Variant type: single nucleotide variant.
Coding change: c.605C>G on transcript NM_000346.4 (MANE Select); coding-DNA position 605, C replaced by G.
Protein change: p.Ala202Gly; replaces alanine 202 with glycine.
Molecular consequence: missense variant.
Genome position (GRCh38, 1-based): chr17:72,122,892, C>G. VCF-style: chr17-72122892-C-G. GRCh37 (hg19) VCF-style: chr17-70119033-C-G.
Other names: c.605C>G (NM_000346.3); short protein forms A202G.
Identifiers: ClinVar variation 1483764 (VCV001483764.7), dbSNP rs2143246698, ClinGen allele CA400866656.

ClinVar aggregate classification (germline): Uncertain significance. Review status: criteria provided, multiple submitters, no conflicts (2 of 4 stars). 2 submissions from 2 submitters: Uncertain significance (2). Last evaluated 2025-06-18.

Conditions:
Inborn genetic diseases. Identifiers: MedGen C0950123, MeSH D030342.
Camptomelic dysplasia (CMPD). Also called: Campomelic Dysplasia; CMPD1/SRA1. Identifiers: Orphanet 140, MedGen C1861922, MONDO:0007251, OMIM 114290.

Submissions (2):

Ambry Genetics
Classification: Uncertain significance for Inborn genetic diseases. Last evaluated: 2025-06-18. Review status: criteria provided, single submitter. Criteria: Ambry Variant Classification Scheme 2023. Collection method: clinical testing. Allele origin: germline.

Labcorp Genetics (formerly Invitae), Labcorp
Classification: Uncertain significance for Camptomelic dysplasia. Last evaluated: 2022-07-06. Review status: criteria provided, single submitter. Criteria: Invitae Variant Classification Sherloc (09022015). Collection method: clinical testing. Allele origin: germline.
Comment: In summary, the available evidence is currently insufficient to determine the role of this variant in disease. Therefore, it has been classified as a Variant of Uncertain Significance. Advanced modeling of protein sequence and biophysical properties (such as structural, functional, and spatial information, amino acid conservation, physicochemical variation, residue mobility, and thermodynamic stability) performed at Invitae indicates that this missense variant is expected to disrupt SOX9 protein function. ClinVar contains an entry for this variant (Variation ID: 1483764). This variant has not been reported in the literature in individuals affected with SOX9-related conditions. This variant is not present in population databases (gnomAD no frequency). This sequence change replaces alanine, which is neutral and non-polar, with glycine, which is neutral and non-polar, at codon 202 of the SOX9 protein (p.Ala202Gly).